The following is an entry in ClinVar:

ClinVar aggregate classification (germline): Likely benign. Review status: criteria provided, multiple submitters, no conflicts (2 of 4 stars). 2 submissions from 2 submitters: Likely benign (2). Last evaluated 2025-05-19.

Conditions:
COL18A1-related disorder. Also called: COL18A1-related condition; COL18A1-related disorders.

Allele frequency attached by ClinVar (database versions not stated): 1000 Genomes Project 0.00020; 1000 Genomes Project 30x 0.00031.
gnomAD v4.1: 41 of 1,533,398 alleles (0.0027%); highest among the groups gnomAD compares: African/African-American, 0.049%; no homozygotes.

Submissions (2):

Labcorp Genetics (formerly Invitae), Labcorp
Classification: Likely benign. Last evaluated: 2025-05-19. Review status: criteria provided, single submitter. Criteria: Invitae Variant Classification Sherloc (09022015). Collection method: clinical testing. Allele origin: germline.

PreventionGenetics, part of Exact Sciences
Classification: Likely benign for COL18A1-related condition. Last evaluated: 2025-04-15. Review status: criteria provided, single submitter. Criteria: ACMG Guidelines, 2015. Collection method: clinical testing. Allele origin: germline.
Comment: This variant is classified as likely benign based on ACMG/AMP sequence variant interpretation guidelines (Richards et al. 2015 PMID: 25741868, with internal and published modifications).

NM_001379500.1(COL18A1):c.3349C>A (p.Arg1117=)

Genes: COL18A1 (collagen type XVIII alpha 1 chain; plus strand), SLC19A1 (solute carrier family 19 member 1; minus strand). Cytogenetic location: 21q22.3.
Variant type: single nucleotide variant.
Coding change: c.3349C>A on transcript NM_001379500.1 (MANE Select); coding-DNA position 3349, C replaced by A.
Protein change: p.Arg1117=; no amino-acid change (arginine 1117 retained).
Molecular consequence: synonymous variant.
Genome position (GRCh38, 1-based): chr21:45,509,455, C>A. VCF-style: chr21-45509455-C-A. GRCh37 (hg19) VCF-style: chr21-46929369-C-A.
Other names: c.3880C>A, p.Arg1294= (NM_030582.4); c.4585C>A, p.Arg1529= (NM_130444.3); c.3880C>A (NM_030582.3).
Identifiers: ClinVar variation 1578636 (VCV001578636.9), dbSNP rs556925757, ClinGen allele CA321923435.